The following is an entry in ClinVar:

ClinVar aggregate classification (germline): Uncertain significance. Review status: criteria provided, multiple submitters, no conflicts (2 of 4 stars). 2 submissions from 2 submitters: Uncertain significance (2). Last evaluated 2021-07-05.

Conditions:
Cardiomyopathy (CMYO). Also called: Cardiomyopathies. Identifiers: Orphanet 167848, MedGen C0878544, MONDO:0004994, HP:0001638. Inheritance: Various modes of inheritance.
Arrhythmogenic right ventricular dysplasia 11. Also called: ARRHYTHMOGENIC RIGHT VENTRICULAR DYSPLASIA, FAMILIAL, 11; Arrhythmogenic Right Ventricular Dysplasia/Cardiomyopathy11; Arrhythmogenic right ventricular dysplasia 11 with mild palmoplantar keratoderma and woolly hair. Identifiers: MedGen C1864850, MONDO:0012506, OMIM 610476.

Submissions (2):

Fulgent Genetics
Classification: Uncertain significance for Arrhythmogenic right ventricular dysplasia 11. Last evaluated: 2021-07-05. Review status: criteria provided, single submitter. Criteria: ACMG Guidelines, 2015. Collection method: clinical testing. Allele origin: unknown.

Color Diagnostics, LLC DBA Color Health
Classification: Uncertain significance for Cardiomyopathy. Last evaluated: 2019-07-05. Review status: criteria provided, single submitter. Criteria: ACMG Guidelines, 2015. Collection method: clinical testing. Allele origin: germline.
Comment: This variant inserts 5 nucleotides in the last exon of the DSC2 gene, creating a frameshift and premature translation stop signal. This variant is expected to result in the expression of a truncated protein product. To our knowledge, functional assays have not been performed for this variant nor has this variant been reported in individuals affected with cardiovascular disorders in the literature. This variant has not been identified in the general population by the Genome Aggregation Database (gnomAD). Clinical significance of loss-of-function truncation variants in the DSC2 gene is not clearly established. Available evidence is insufficient to determine the role of this variant in disease conclusively. Therefore, this variant is classified as a Variant of Uncertain Significance.

NM_024422.6(DSC2):c.2583_2587dup (p.Gly863fs)

Gene: DSC2 (desmocollin 2; minus strand). Cytogenetic location: 18q12.1.
Variant type: Duplication.
Coding change: c.2583_2587dup on transcript NM_024422.6 (MANE Select); coding-DNA positions 2583 to 2587, 5 bases duplicated (AAGAG; older notation c.2583_2587dupAAGAG).
Protein change: p.Gly863fs; shifts the reading frame from glycine 863.
Molecular consequence: frameshift variant. On other transcripts: 3 prime UTR variant (1).
Genome position (GRCh38, 1-based): chr18:31,068,134-31,068,138, CTCTT duplicated on the plus strand (AAGAG on the coding strand, the reverse complement: DSC2 is on the minus strand); duplicating any 5 consecutive bases within chr18:31,068,134-31,068,139 gives the same sequence; the c. name uses the placement nearest the transcript's 3' end. VCF-style (leftmost placement, unchanged base first): chr18-31068133-C-CCTCTT. GRCh37 (hg19) VCF-style: chr18-28648099-C-CCTCTT.
Other names: c.*85_*89dup (NM_004949.5); short protein forms G863fs.
Identifiers: ClinVar variation 924672 (VCV000924672.4), dbSNP rs1986691422, ClinGen allele CA1139665993.